The following is an entry in ClinVar:

ClinVar aggregate classification (germline): Uncertain significance (1 of 4 stars; one submission).

Submission:

Labcorp Genetics (formerly Invitae), Labcorp
Classification: Uncertain significance. Last evaluated: 2023-09-10. Review status: criteria provided, single submitter. Criteria: Invitae Variant Classification Sherloc (09022015). Collection method: clinical testing. Allele origin: germline.
Comment: This sequence change replaces glutamic acid, which is acidic and polar, with lysine, which is basic and polar, at codon 16 of the GNAS protein (p.Glu16Lys). This variant is not present in population databases (gnomAD no frequency). This variant has not been reported in the literature in individuals affected with GNAS-related conditions. Advanced modeling of protein sequence and biophysical properties (such as structural, functional, and spatial information, amino acid conservation, physicochemical variation, residue mobility, and thermodynamic stability) performed at Invitae indicates that this missense variant is not expected to disrupt GNAS protein function. In summary, the available evidence is currently insufficient to determine the role of this variant in disease. Therefore, it has been classified as a Variant of Uncertain Significance.

NM_000516.7(GNAS):c.46G>A (p.Glu16Lys)

Gene: GNAS (GNAS complex locus; plus strand). Cytogenetic location: 20q13.32.
Variant type: single nucleotide variant.
Coding change: c.46G>A on transcript NM_000516.7 (MANE Select); coding-DNA position 46, G replaced by A.
Protein change: p.Glu16Lys; replaces glutamic acid 16 with lysine.
Molecular consequence: missense variant. On other transcripts: intron variant (8).
Genome position (GRCh38, 1-based): chr20:58,891,772, G>A. VCF-style: chr20-58891772-G-A. GRCh37 (hg19) VCF-style: chr20-57466827-G-A.
Other names: c.-38-3840G>A (NM_001309861.2); c.*1-3840G>A (NM_001077490.3); c.2069-3840G>A (NM_080425.4, NM_001410913.1); c.*159-3840G>A (NM_001309883.1); c.-39+2419G>A (NM_001309840.2); c.46G>A, p.Glu16Lys (NM_001077488.5, NM_001077489.4, NM_001309842.2 and 1 more transcripts); c.*43-3840G>A (NM_016592.5); c.44-3840G>A (NM_001410912.1); short protein forms E16K.
Identifiers: ClinVar variation 3018911 (VCV003018911.3), dbSNP rs2516796853, ClinGen allele CA409448714.